The following is an entry in ClinVar:

ClinVar aggregate classification (germline): Pathogenic (1 of 4 stars; one submission).

Conditions:
Early-infantile DEE. Also called: Early infantile epileptic encephalopathy with suppression bursts; Early infantile epileptic encephalopathy; Ohtahara syndrome. Identifiers: Orphanet 1934, MedGen C0393706, MONDO:0800491.

Submission:

Labcorp Genetics (formerly Invitae), Labcorp
Classification: Pathogenic for Early-infantile DEE. Last evaluated: 2022-08-15. Review status: criteria provided, single submitter. Criteria: Invitae Variant Classification Sherloc (09022015). Collection method: clinical testing. Allele origin: germline.
Comment: This sequence change creates a premature translational stop signal (p.Glu688Asnfs*40) in the SCN1A gene. It is expected to result in an absent or disrupted protein product. Loss-of-function variants in SCN1A are known to be pathogenic (PMID: 17347258, 18930999). This variant is not present in population databases (gnomAD no frequency). This variant has not been reported in the literature in individuals affected with SCN1A-related conditions. ClinVar contains an entry for this variant (Variation ID: 1379222). For these reasons, this variant has been classified as Pathogenic.

Literature cited by the submitters: PubMed 17347258; PubMed 18930999.

NM_001165963.4(SCN1A):c.2061_2062del (p.Glu688fs)

Gene: SCN1A (sodium voltage-gated channel alpha subunit 1; minus strand). Cytogenetic location: 2q24.3.
Variant type: Deletion.
Coding change: c.2061_2062del on transcript NM_001165963.4 (MANE Select); coding-DNA positions 2061 to 2062, 2 bases deleted (TG; older notation c.2061_2062delTG).
Protein change: p.Glu688fs; shifts the reading frame from glutamic acid 688.
Molecular consequence: frameshift variant. On other transcripts: 5 prime UTR variant (1), non-coding transcript variant (1).
Genome position (GRCh38, 1-based): chr2:166,042,406-166,042,407, CA deleted on the plus strand (TG on the coding strand, the reverse complement: SCN1A is on the minus strand). VCF-style (leftmost placement, unchanged base first): chr2-166042405-TCA-T. GRCh37 (hg19) VCF-style: chr2-166898915-TCA-T.
Other names: c.1977_1978del, p.Glu660fs (NM_001165964.3, NM_001353957.2, NM_001353958.2); c.2061_2062del, p.Glu688fs (NM_001202435.3, NM_001353948.2); c.2028_2029del, p.Glu677fs (NM_001353949.2, NM_001353950.2, NM_001353951.2 and 2 more transcripts); c.2025_2026del, p.Glu676fs (NM_001353954.2, NM_001353955.2); c.1974_1975del, p.Glu659fs (NM_001353960.2); c.-398_-397del (NM_001353961.2); short protein forms E660fs, E659fs, E688fs, E676fs, E677fs.
Identifiers: ClinVar variation 1379222 (VCV001379222.7), dbSNP rs2105835707, ClinGen allele CA2573133522.